The following is an entry in ClinVar:

NM_001291303.3(FAT4):c.12898T>C (p.Tyr4300His)

Gene: FAT4 (FAT atypical cadherin 4; plus strand). Cytogenetic location: 4q28.1.
Variant type: single nucleotide variant.
Coding change: c.12898T>C on transcript NM_001291303.3 (MANE Select); coding-DNA position 12898, T replaced by C.
Protein change: p.Tyr4300His; replaces tyrosine 4300 with histidine.
Molecular consequence: missense variant.
Genome position (GRCh38, 1-based): chr4:125,487,420, T>C. VCF-style: chr4-125487420-T-C. GRCh37 (hg19) VCF-style: chr4-126408575-T-C.
Other names: c.12898T>C, p.Tyr4300His (NM_001291285.3); c.12892T>C, p.Tyr4298His (NM_024582.6); c.12892T>C (NM_024582.5); short protein forms Y4298H, Y4300H.
Identifiers: ClinVar variation 2083475 (VCV002083475.5), dbSNP rs1310567481, ClinGen allele CA358134137.

ClinVar aggregate classification (germline): Uncertain significance. Review status: criteria provided, multiple submitters, no conflicts (2 of 4 stars). 2 submissions from 2 submitters: Uncertain significance (2). Last evaluated 2024-03-04.

Conditions:
Van Maldergem syndrome 2 (VMLDS2). Identifiers: Orphanet 314679, MedGen C3809875, MONDO:0014242, OMIM 615546.
Hennekam lymphangiectasia-lymphedema syndrome 2 (HKLLS2). Identifiers: Orphanet 2136, MedGen C4014939, MONDO:0014454, OMIM 616006.

Allele frequency attached by ClinVar (database versions not stated): gnomAD exomes 0.00001; TOPMed 0.00001.
gnomAD v4.1: 11 of 1,614,076 alleles (0.00068%); highest among the groups gnomAD compares: East Asian, 0.02%; no homozygotes.

Submissions (2):

Fulgent Genetics
Classification: Uncertain significance for Van Maldergem syndrome 2; Hennekam lymphangiectasia-lymphedema syndrome 2. Last evaluated: 2024-03-04. Review status: criteria provided, single submitter. Criteria: ACMG Guidelines, 2015. Collection method: clinical testing. Allele origin: germline.

Labcorp Genetics (formerly Invitae), Labcorp
Classification: Uncertain significance. Last evaluated: 2023-08-17. Review status: criteria provided, single submitter. Criteria: Invitae Variant Classification Sherloc (09022015). Collection method: clinical testing. Allele origin: germline.
Comment: In summary, the available evidence is currently insufficient to determine the role of this variant in disease. Therefore, it has been classified as a Variant of Uncertain Significance. Advanced modeling of protein sequence and biophysical properties (such as structural, functional, and spatial information, amino acid conservation, physicochemical variation, residue mobility, and thermodynamic stability) performed at Invitae indicates that this missense variant is not expected to disrupt FAT4 protein function. ClinVar contains an entry for this variant (Variation ID: 2083475). This variant has not been reported in the literature in individuals affected with FAT4-related conditions. This variant is present in population databases (no rsID available, gnomAD 0.006%). This sequence change replaces tyrosine, which is neutral and polar, with histidine, which is basic and polar, at codon 4298 of the FAT4 protein (p.Tyr4298His).